The following is an entry in ClinVar:

ClinVar aggregate classification (germline): Uncertain significance (1 of 4 stars; one submission).

Conditions:
Leigh syndrome (NULS). Also called: Leigh's necrotizing encephalopathy; Leigh's disease; Leigh's syndrome; LEIGH SYNDROME, NUCLEAR; Leigh Syndrome (mtDNA deletion); Leigh Disease. Identifiers: Orphanet 506, MedGen C2931891, MONDO:0009723, OMIM 256000.

Submission:

Wong Mito Lab, Molecular and Human Genetics, Baylor College of Medicine
Classification: Uncertain significance for Leigh syndrome. Last evaluated: 2019-10-17. Review status: criteria provided, single submitter. Criteria: Modified ACMG Guidelines (Unpublished). Collection method: clinical testing. Allele origin: germline.
Comment: The NC_012920.1:m.14667A>G (YP_003024037.1:p.Tyr3His) variant in MTND6 gene is interpretated to be a Uncertain Significance variant based on the modified ACMG guidelines (unpublished). This variant meets the following evidence codes: PP7, BP5

NC_012920.1(MT-ND6):m.14667A>G

Gene: MT-ND6 (mitochondrially encoded NADH dehydrogenase 6; minus strand).
Variant type: single nucleotide variant.
Genome position: chrM-14667-A-G.
Identifiers: ClinVar variation 693751 (VCV000693751.1), dbSNP rs1603224822, ClinGen allele CA414823514.